The following is an entry in ClinVar:

NM_199420.4(POLQ):c.621G>C (p.Met207Ile)

Gene: POLQ (DNA polymerase theta; minus strand). Cytogenetic location: 3q13.33.
Variant type: single nucleotide variant.
Coding change: c.621G>C on transcript NM_199420.4 (MANE Select); coding-DNA position 621, G replaced by C.
Protein change: p.Met207Ile; replaces methionine 207 with isoleucine.
Molecular consequence: missense variant.
Genome position (GRCh38, 1-based): chr3:121,539,443, C>G on the plus strand (G>C on the coding strand, the complement: POLQ is on the minus strand). VCF-style: chr3-121539443-C-G. GRCh37 (hg19) VCF-style: chr3-121258290-C-G.
Other names: short protein forms M207I.
Identifiers: ClinVar variation 2625862 (VCV002625862.2), dbSNP rs2048473370, ClinGen allele CA354090993.

ClinVar aggregate classification (germline): Uncertain significance (1 of 4 stars; one submission).

Submission:

Ambry Genetics
Classification: Uncertain significance. Last evaluated: 2023-08-29. Review status: criteria provided, single submitter. Criteria: Ambry Variant Classification Scheme 2023. Collection method: clinical testing. Allele origin: germline.
Comment: The p.M207I variant (also known as c.621G>C), located in coding exon 4 of the POLQ gene, results from a G to C substitution at nucleotide position 621. The methionine at codon 207 is replaced by isoleucine, an amino acid with highly similar properties. This amino acid position is conserved. In addition, this alteration is predicted to be tolerated by in silico analysis. Since supporting evidence is limited at this time, the clinical significance of this alteration remains unclear.